The following is an entry in ClinVar:

ClinVar aggregate classification (germline): Pathogenic (1 of 4 stars; one submission).

Conditions:
Gorlin syndrome. Also called: Nevoid Basal Cell Carcinoma Syndrome; Basal cell nevus syndrome. Identifiers: Orphanet 377, MedGen C0004779, MONDO:0007187.
Medulloblastoma (MDB). Also called: Medulloblastoma, somatic; MEDULLOBLASTOMA PREDISPOSITION SYNDROME. Identifiers: Orphanet 616, MedGen C0025149, MeSH D008527, MONDO:0007959, OMIM 155255, HP:0002885.

Submission:

Labcorp Genetics (formerly Invitae), Labcorp
Classification: Pathogenic for Gorlin syndrome; Medulloblastoma. Last evaluated: 2025-11-23. Review status: criteria provided, single submitter. Criteria: Invitae Variant Classification Sherloc (09022015). Collection method: clinical testing. Allele origin: germline.
Comment: This sequence change creates a premature translational stop signal (p.Trp233*) in the SUFU gene. It is expected to result in an absent or disrupted protein product. Loss-of-function variants in SUFU are known to be pathogenic (PMID: 22508808, 25403219, 33024317). This variant is not present in population databases (gnomAD no frequency). This variant has not been reported in the literature in individuals affected with SUFU-related conditions. For these reasons, this variant has been classified as Pathogenic.

Literature cited by the submitters: PubMed 22508808; PubMed 25403219; PubMed 33024317.

NM_016169.4(SUFU):c.699_702del (p.Pro232_Trp233insTer)

Gene: SUFU (SUFU negative regulator of hedgehog signaling; plus strand). Cytogenetic location: 10q24.32.
Variant type: Deletion.
Coding change: c.699_702del on transcript NM_016169.4 (MANE Select); coding-DNA positions 699 to 702, 4 bases deleted (GCTG; older notation c.699_702delGCTG).
Protein change: p.Pro232_Trp233insTer.
Molecular consequence: nonsense.
Genome position (GRCh38, 1-based): chr10:102,594,008-102,594,011, GCTG deleted; deleting any 4 consecutive bases within chr10:102,594,005-102,594,011 gives the same sequence; the c. name uses the placement nearest the transcript's 3' end. VCF-style (leftmost placement, unchanged base first): chr10-102594004-CCTGG-C. GRCh37 (hg19) VCF-style: chr10-104353761-CCTGG-C.
Other names: c.699_702del, p.Pro232_Trp233insTer (NM_001178133.2).
Identifiers: ClinVar variation 4786775 (VCV004786775.1).